The following is an entry in ClinVar:

ClinVar aggregate classification (germline): Uncertain significance. Review status: criteria provided, multiple submitters, no conflicts (2 of 4 stars). 2 submissions from 2 submitters: Uncertain significance (2). Last evaluated 2021-06-25.

Conditions:
Charcot-Marie-Tooth disease axonal type 2O. Also called: Charcot-Marie-Tooth Neuropathy Type 2O; Charcot-Marie-Tooth disease, axonal, type 20; CHARCOT-MARIE-TOOTH NEUROPATHY, AXONAL, TYPE 2O; CHARCOT-MARIE-TOOTH DISEASE, AXONAL, AUTOSOMAL DOMINANT, TYPE 2O. Identifiers: Orphanet 284232, MedGen C3280220, MONDO:0013644, OMIM 614228.

Allele frequency attached by ClinVar (database versions not stated): TOPMed below 0.00001.

Submissions (2):

Labcorp Genetics (formerly Invitae), Labcorp
Classification: Uncertain significance for Charcot-Marie-Tooth disease axonal type 2O. Last evaluated: 2021-06-25. Review status: criteria provided, single submitter. Criteria: Invitae Variant Classification Sherloc (09022015). Collection method: clinical testing. Allele origin: germline.
Comment: In summary, the available evidence is currently insufficient to determine the role of this variant in disease. Therefore, it has been classified as a Variant of Uncertain Significance. Algorithms developed to predict the effect of missense changes on protein structure and function (SIFT, PolyPhen-2, Align-GVGD) all suggest that this variant is likely to be tolerated, but these predictions have not been confirmed by published functional studies and their clinical significance is uncertain. This variant has not been reported in the literature in individuals with DYNC1H1-related conditions. This variant is not present in population databases (ExAC no frequency). This sequence change replaces methionine with valine at codon 905 of the DYNC1H1 protein (p.Met905Val). The methionine residue is moderately conserved and there is a small physicochemical difference between methionine and valine.

CeGaT Center for Human Genetics Tuebingen
Classification: Uncertain significance. Last evaluated: 2020-08-01. Review status: criteria provided, single submitter. Criteria: CeGaT Center For Human Genetics Tuebingen Variant Classification Criteria Version 2. Collection method: clinical testing. Allele origin: germline. Affected: yes. Observed: 2 variant alleles.

NM_001376.5(DYNC1H1):c.2713A>G (p.Met905Val)

Gene: DYNC1H1 (dynein cytoplasmic 1 heavy chain 1; plus strand). Cytogenetic location: 14q32.31.
Variant type: single nucleotide variant.
Coding change: c.2713A>G on transcript NM_001376.5 (MANE Select); coding-DNA position 2713, A replaced by G.
Protein change: p.Met905Val; replaces methionine 905 with valine.
Molecular consequence: missense variant.
Genome position (GRCh38, 1-based): chr14:101,987,627, A>G. VCF-style: chr14-101987627-A-G. GRCh37 (hg19) VCF-style: chr14-102453964-A-G.
Other names: short protein forms M905V.
Identifiers: ClinVar variation 848772 (VCV000848772.45), dbSNP rs2047951002, ClinGen allele CA391027892.